The following is an entry in ClinVar:

NM_018489.3(ASH1L):c.3755G>A (p.Cys1252Tyr)

Gene: ASH1L (ASH1 like histone lysine methyltransferase; minus strand). Cytogenetic location: 1q22.
Variant type: single nucleotide variant.
Coding change: c.3755G>A on transcript NM_018489.3 (MANE Select); coding-DNA position 3755, G replaced by A.
Protein change: p.Cys1252Tyr; replaces cysteine 1252 with tyrosine.
Molecular consequence: missense variant.
Genome position (GRCh38, 1-based): chr1:155,479,115, C>T on the plus strand (G>A on the coding strand, the complement: ASH1L is on the minus strand). VCF-style: chr1-155479115-C-T. GRCh37 (hg19) VCF-style: chr1-155448906-C-T.
Other names: c.3755G>A, p.Cys1252Tyr (NM_001366177.2); short protein forms C1252Y.
Identifiers: ClinVar variation 2662149 (VCV002662149.1), dbSNP rs1403009836, ClinGen allele CA342708576.

ClinVar aggregate classification (germline): Uncertain significance (1 of 4 stars; one submission).

Allele frequency attached by ClinVar (database versions not stated): TOPMed below 0.00001; gnomAD 0.00001.
gnomAD v4.1: 2 of 1,613,934 alleles (0.00012%); highest among the groups gnomAD compares: Admixed American, 0.0017%; no homozygotes.

Submission:

GeneDx
Classification: Uncertain significance. Last evaluated: 2023-04-18. Review status: criteria provided, single submitter. Criteria: GeneDx Variant Classification Process June 2021. Collection method: clinical testing. Allele origin: germline. Affected: yes.
Comment: Not observed at significant frequency in large population cohorts (gnomAD); In silico analysis supports that this missense variant has a deleterious effect on protein structure/function; Has not been previously published as pathogenic or benign to our knowledge